The following is an entry in ClinVar:

ClinVar aggregate classification (germline): Uncertain significance (1 of 4 stars; one submission).

Conditions:
Duchenne muscular dystrophy (DMD). Also called: Duchenne Muscular Dystrophy (DMD); MUSCULAR DYSTROPHY, PSEUDOHYPERTROPHIC PROGRESSIVE, DUCHENNE TYPE. Identifiers: Orphanet 98896, MedGen C0013264, MONDO:0010679, OMIM 310200.

Allele frequency attached by ClinVar (database versions not stated): gnomAD exomes below 0.00001.
gnomAD v4.1: 1 of 1,206,700 alleles (0.000083%); highest among the groups gnomAD compares: East Asian, 0.003%; no homozygotes.

Submission:

Labcorp Genetics (formerly Invitae), Labcorp
Classification: Uncertain significance for Duchenne muscular dystrophy. Last evaluated: 2024-10-15. Review status: criteria provided, single submitter. Criteria: Invitae Variant Classification Sherloc (09022015). Collection method: clinical testing. Allele origin: germline.
Comment: This sequence change replaces leucine, which is neutral and non-polar, with phenylalanine, which is neutral and non-polar, at codon 1162 of the DMD protein (p.Leu1162Phe). This variant is not present in population databases (gnomAD no frequency). This variant has not been reported in the literature in individuals affected with DMD-related conditions. ClinVar contains an entry for this variant (Variation ID: 849083). Invitae Evidence Modeling of protein sequence and biophysical properties (such as structural, functional, and spatial information, amino acid conservation, physicochemical variation, residue mobility, and thermodynamic stability) indicates that this missense variant is not expected to disrupt DMD protein function with a negative predictive value of 95%. In summary, the available evidence is currently insufficient to determine the role of this variant in disease. Therefore, it has been classified as a Variant of Uncertain Significance.

NM_004006.3(DMD):c.3484C>T (p.Leu1162Phe)

Gene: DMD (dystrophin; minus strand). Cytogenetic location: Xp21.1.
Variant type: single nucleotide variant.
Coding change: c.3484C>T on transcript NM_004006.3 (MANE Select); coding-DNA position 3484, C replaced by T.
Protein change: p.Leu1162Phe; replaces leucine 1162 with phenylalanine.
Molecular consequence: missense variant.
Genome position (GRCh38, 1-based): chrX:32,454,781, G>A on the plus strand (C>T on the coding strand, the complement: DMD is on the minus strand). VCF-style: chrX-32454781-G-A. GRCh37 (hg19) VCF-style: chrX-32472898-G-A.
Other names: c.3460C>T, p.Leu1154Phe (NM_000109.4); c.3472C>T, p.Leu1158Phe (NM_004009.3); c.3115C>T, p.Leu1039Phe (NM_004010.3); short protein forms L1162F, L1039F, L1154F, L1158F.
Identifiers: ClinVar variation 849083 (VCV000849083.11), dbSNP rs2098349210, ClinGen allele CA412663297.
Genomic context (GRCh38, chrX:32,454,781, plus strand): 5'-CAAGATACTCTTCTTCAGCTTGTGTCATCCATTCGTGCATCTCTGATAGATCTTTCTGGA[G>A]GCTTACAGTTTTCTCCAAACCTCCCTTCAAGGCCTCCTTTCTGGCATAGACCTTCCACAA-3'
Protein context (NP_003997.2, residues 1152-1172): LKGGLEKTVS[Leu1162Phe]QKDLSEMHEW